The following is an entry in ClinVar:

NM_001009944.3(PKD1):c.8447T>C (p.Leu2816Pro)

Gene: PKD1 (polycystin 1, transient receptor potential channel interacting; minus strand). Cytogenetic location: 16p13.3.
Variant type: single nucleotide variant.
Coding change: c.8447T>C on transcript NM_001009944.3 (MANE Select); coding-DNA position 8447, T replaced by C.
Protein change: p.Leu2816Pro; replaces leucine 2816 with proline.
Molecular consequence: missense variant.
Genome position (GRCh38, 1-based): chr16:2,103,610, A>G on the plus strand (T>C on the coding strand, the complement: PKD1 is on the minus strand). VCF-style: chr16-2103610-A-G. GRCh37 (hg19) VCF-style: chr16-2153611-A-G.
Other names: c.8447T>C, p.Leu2816Pro (NM_000296.4); c.8447T>C (NM_000296.3); short protein forms L2816P.
Identifiers: ClinVar variation 562235 (VCV000562235.11), dbSNP rs1567177684, ClinGen allele CA394363920.

ClinVar aggregate classification (germline): Pathogenic/Likely pathogenic. Review status: criteria provided, multiple submitters, no conflicts (2 of 4 stars). 8 submissions from 8 submitters: Pathogenic (3); Likely pathogenic (4). 1 of the submissions does not count toward it. Last evaluated 2026-05-05.

Conditions:
Polycystic kidney disease, adult type (PKD1). Also called: Polycystic Kidney Disease 1, Autosomal Dominant; Polycystic kidney disease 1; Polycystic kidney disease 1, severe; Polycystic Kidney, Autosomal Dominant; POLYCYSTIC KIDNEY DISEASE 1 WITH OR WITHOUT POLYCYSTIC LIVER DISEASE; POLYCYSTIC KIDNEY DISEASE, ADULT, TYPE I. Identifiers: MedGen C3149841, MONDO:0008263, OMIM 173900.

Submissions (8):

Victorian Clinical Genetics Services, Murdoch Childrens Research Institute
Classification: Pathogenic for Polycystic kidney disease, adult type. Last evaluated: 2026-05-05. Review status: criteria provided, single submitter. Criteria: ACMG Guidelines, 2015. Collection method: clinical testing. Allele origin: germline. Affected: yes.
Comment: This variant is classified as Pathogenic. Evidence in support of pathogenic classification: Variant is absent from gnomAD (v2, v3 and v4); This variant has strong previous evidence of pathogenicity in unrelated individuals. This variant has been classified as pathogenic or likely pathogenic by multiple clinical laboratories in ClinVar. It has also been reported in the literature in multiple individuals with polycystic kidney disease (PMIDs: 37901409, 24611717, 33437033, 32398770, 22508176, 11115377). However, in two families it was reported alongside a null variant which was proven in cis in one of the families (PMIDs: 23985799, 12007219). Additional information: Variant is predicted to result in a missense amino acid change from Leu to Pro; This variant is heterozygous; This gene is associated with autosomal dominant disease. Polycystic kidney disease 1 (MIM#173900) is predominantly caused by monoallelic variants, with rare reports of biallelic variants causing disease (OMIM); Variant is not located in an established domain, motif, hotspot or informative constraint region; Missense variant with inconclusive in silico prediction and/or uninformative conservation; Loss of function is a known mechanism of disease in this gene and is associated with polycystic kidney disease 1 (MIM#173900); Inheritance information for this variant is not currently available in this individual.

GeneDx
Classification: Likely pathogenic. Last evaluated: 2025-07-11. Review status: criteria provided, single submitter. Criteria: GeneDx Variant Classification Process June 2021. Collection method: clinical testing. Allele origin: germline. Affected: yes.
Comment: Published in vitro functional studies demonstrate a damaging effect through resistance to GPS cleavage required for PC1 trafficking to cilia (PMID: 25365220); Not observed in large population cohorts (gnomAD); In silico analysis supports that this missense variant has a deleterious effect on protein structure/function; This variant is associated with the following publications: (PMID: 30586318, 12007219, 31085678, 22508176, 18791038, 11115377, 23431072, 37901409, 33437033, 25365220)

Women's Health and Genetics/Laboratory Corporation of America, LabCorp
Classification: Pathogenic for Polycystic kidney disease, adult type. Last evaluated: 2025-06-10. Review status: criteria provided, single submitter. Criteria: LabCorp Variant Classification Summary - May 2015. Collection method: clinical testing. Allele origin: germline.
Comment: Variant summary: PKD1 c.8447T>C (p.Leu2816Pro) results in a non-conservative amino acid change in the encoded protein sequence. Algorithms developed to predict the effect of missense changes on protein structure and function are either unavailable or do not agree on the potential impact of this missense change. The variant was absent in 248880 control chromosomes. c.8447T>C has been observed in multiple individuals affected with Polycystic Kidney Disease 1 (example, Rossetti_2001, Groopman_2019, Mallawaarachchi_2021, Zhuang_2023, Cornec-LeGall_2013). These data indicate that the variant is very likely to be associated with disease. One publication reports experimental evidence evaluating an impact on protein function, however, does not allow convincing conclusions about the variant effect (Cai_2014). The following publications have been ascertained in the context of this evaluation (PMID: 25365220, 23431072, 30586318, 33437033, 11115377, 37901409). ClinVar contains an entry for this variant (Variation ID: 562235). Based on the evidence outlined above, the variant was classified as pathogenic.

Department of Pathology and Laboratory Medicine, Sinai Health System
Classification: Likely pathogenic for Polycystic kidney disease, adult type. Last evaluated: 2024-09-19. Review status: criteria provided, single submitter. Criteria: ACMG Guidelines, 2015. Collection method: clinical testing. Allele origin: germline. Affected: yes.

Fulgent Genetics
Classification: Likely pathogenic for Polycystic kidney disease, adult type. Last evaluated: 2024-05-20. Review status: criteria provided, single submitter. Criteria: ACMG Guidelines, 2015. Collection method: clinical testing. Allele origin: germline.

Athena Diagnostics
Classification: Likely pathogenic. Last evaluated: 2023-03-17. Review status: criteria provided, single submitter. Criteria: Athena Diagnostics Criteria. Collection method: clinical testing. Allele origin: unknown.
Comment: This variant has been identified in multiple unrelated individuals with clinical features associated with this gene. This variant has not been reported in large, multi-ethnic general populations. Assessment of experimental evidence suggests this variant results in abnormal protein function. (PMID: 25365220) Computational tools predict that this variant is damaging. The variant is located in a region that is considered important for protein function and/or structure.

Gharavi Laboratory, Columbia University
Classification: Pathogenic. Last evaluated: 2018-09-16. Review status: criteria provided, single submitter. Criteria: ACMG Guidelines, 2015. Collection method: research. Allele origin: germline. Affected: yes.

Molecular Genetics of Inherited Kidney Disorders Laboratory, Garvan Institute of Medical Research
Classification: Uncertain significance. Last evaluated: 2019-01-01. Review status: flagged submission. Criteria: ACMG Guidelines, 2015. Collection method: clinical testing. Allele origin: germline. Affected: yes. Not counted in ClinVar's aggregate classification.
ClinVar note: Reason: Outlier claim with insufficient supporting evidence

Literature cited by the submitters: PubMed 12007219 (cited by Victorian Clinical Genetics Services, Murdoch Childrens Research Institute and Athena Diagnostics); PubMed 24611717 (cited by Victorian Clinical Genetics Services, Murdoch Childrens Research Institute and Athena Diagnostics); PubMed 11115377 (cited by 3 submitters); PubMed 23985799 (cited by Victorian Clinical Genetics Services, Murdoch Childrens Research Institute and Athena Diagnostics); PubMed 37901409 (cited by Victorian Clinical Genetics Services, Murdoch Childrens Research Institute and Women's Health and Genetics/Laboratory Corporation of America, LabCorp); PubMed 22508176 (cited by Victorian Clinical Genetics Services, Murdoch Childrens Research Institute and Athena Diagnostics); PubMed 33437033 (cited by 3 submitters); PubMed 32398770 (cited by Victorian Clinical Genetics Services, Murdoch Childrens Research Institute and Athena Diagnostics); PubMed 30586318 (cited by Women's Health and Genetics/Laboratory Corporation of America, LabCorp); PubMed 23431072 (cited by Women's Health and Genetics/Laboratory Corporation of America, LabCorp and Athena Diagnostics); PubMed 25365220 (cited by Women's Health and Genetics/Laboratory Corporation of America, LabCorp and Athena Diagnostics); PubMed 18791038 (cited by Athena Diagnostics); PubMed 11961010 (cited by Athena Diagnostics).